The following is an entry in ClinVar:

ClinVar aggregate classification (germline): Pathogenic. Review status: practice guideline (4 of 4 stars). 53 submissions from 50 submitters: Pathogenic (1). 52 of the submissions do not count toward it. Last evaluated 2004-03-03.

Conditions:
CFTR-related disorder (CFTR-RD). Also called: CFTR-related disorders; CFTR-related condition. Identifiers: MedGen C5924204, MONDO:7770004.
Cystic fibrosis diagnostic test.
Cystic fibrosis (CF). Also called: MUCOVISCIDOSIS. Identifiers: Orphanet 586, MedGen C0010674, MONDO:0009061, OMIM 219700. Disease mechanism: loss of function.
Congenital bilateral aplasia of vas deferens from CFTR mutation (CBAVD). Identifiers: Orphanet 48, MedGen C0403814, MONDO:0010178, OMIM 277180. Disease mechanism: loss of function.
Hereditary pancreatitis (PCTT). Also called: Hereditary chronic pancreatitis; PRSS1-Related Hereditary Pancreatitis. Identifiers: Orphanet 676, MedGen C0238339, MONDO:0008185, OMIM 167800.
Bronchiectasis with or without elevated sweat chloride 1 (BESC1). Also called: Cystic Fibrosis-Like Syndrome. Identifiers: Orphanet 60033, MedGen C2749757, MONDO:0008887, OMIM 211400.
Spermatogenic failure, Y-linked, 2 (SPGFY2). Also called: AZOOSPERMIA, NONOBSTRUCTIVE, Y-LINKED; SPERMATOGENIC ARREST, Y-LINKED; SPERMATOGENIC FAILURE, NONOBSTRUCTIVE, Y-LINKED; OLIGOSPERMIA, NONOBSTRUCTIVE, Y-LINKED; OLIGOZOOSPERMIA, NONOBSTRUCTIVE, Y-LINKED. Identifiers: Orphanet 1646, MedGen C1839071, MONDO:0010767, OMIM 415000. Disease mechanism: loss of function.

Allele frequency attached by ClinVar (database versions not stated): gnomAD 0.00016 and 0.00015; 1000 Genomes Project 0.00020; TOPMed 0.00020; gnomAD exomes 0.00014 and 0.00016; ExAC 0.00015; 1000 Genomes Project 30x 0.00016.
gnomAD v4.1: 252 of 1,598,060 alleles (0.016%); highest among the groups gnomAD compares: Middle Eastern, 0.056%; no homozygotes.

Submissions 1 to 9 of 53:

American College of Medical Genetics and Genomics  (ACMG)
Classification: Pathogenic for Cystic fibrosis. Last evaluated: 2004-03-03. Review status: practice guideline. Criteria: Guideline for cystic fibrosis carrier screening. Collection method: curation. Allele origin: germline. Inheritance: Autosomal recessive inheritance. Study: The ACMG recommended carrier screening panel.
ClinVar note: Converted during submission from pathogenic to Pathogenic.

CFTR2
Classification: Pathogenic for Cystic fibrosis. Last evaluated: 2017-03-17. Review status: reviewed by expert panel. Criteria: Sosnay PR et al. (Nat Genet 2013). Collection method: research. Allele origin: germline. Affected: yes. Study: CFTR2. Not counted in ClinVar's aggregate classification.

Institute of Human Genetics, University of Leipzig Medical Center
Classification: Pathogenic for Cystic fibrosis. Last evaluated: 2026-08-24. Review status: criteria provided, single submitter. Criteria: ACMG Guidelines, 2015. Collection method: clinical testing. Allele origin: unknown. Inheritance: Autosomal recessive inheritance. Affected: yes. Not counted in ClinVar's aggregate classification.
Comment: Criteria applied: PM3_VSTR,PS3,PM5_STR,PP3,PP4; Identified as compund heterozygous with NM_000492.4:c.3846G>A

Victorian Clinical Genetics Services, Murdoch Childrens Research Institute
Classification: Pathogenic for Cystic fibrosis. Last evaluated: 2026-04-08. Review status: criteria provided, single submitter. Criteria: ACMG Guidelines, 2015. Collection method: clinical testing. Allele origin: germline. Affected: no. Not counted in ClinVar's aggregate classification.
Comment: This variant is classified as Pathogenic. Evidence in support of pathogenic classification: Variant is present in gnomAD <0.01 for a recessive condition (v4: 252 heterozygote(s), 0 homozygote(s)); This variant has strong previous evidence of pathogenicity in unrelated individuals. This is a known CF-causing variant, included within standard of practice guidelines for CF screening (CFTR2, ClinVar); Missense variant predicted to be damaging by in silico tool(s) or highly conserved with a major amino acid change. Additional information: Variant is predicted to result in a missense amino acid change from asparagine to lysine; This variant is heterozygous; This gene is associated with autosomal recessive disease; Alternative amino acid change(s) at the same position are present in gnomAD (highest allele count: v4: 38 heterozygote(s), 0 homozygote(s)); Variant is located in the annotated ABC_transporter domain (DECIPHER); Loss of function is a known mechanism of disease in this gene and is associated with cystic fibrosis (MIM#219700).

Dasa
Classification: Pathogenic. Last evaluated: 2026-03-10. Review status: criteria provided, single submitter. Criteria: DASA Assertion Criteria. Collection method: clinical testing. Allele origin: germline. Not counted in ClinVar's aggregate classification.
Comment: NM_000492.4(CFTR):c.3909C>G (p.Asn1303Lys) is a missense variant that results in the substitution of asparagine with lysine. Functional evidence supports a deleterious effect on the gene or gene product (PMID: 23891399; PMID: 25799511; PMID: 35558347; PMID: 34874053; PMID: 1380943). This variant has been recurrently observed in individuals with related phenotype (PMID: 23891399; PMID: 25799511; PMID: 35558347; PMID: 34874053; PMID: 1380943). Segregation evidence has been reported in affected families. Multiple computational predictions support a deleterious effect on the gene or gene product. The variant is present at low frequency in population datasets. Based on the available data, this variant is classified as pathogenic.

Labcorp Genetics (formerly Invitae), Labcorp
Classification: Pathogenic for Cystic fibrosis. Last evaluated: 2026-01-31. Review status: criteria provided, single submitter. Criteria: Invitae Variant Classification Sherloc (09022015). Collection method: clinical testing. Allele origin: germline. Not counted in ClinVar's aggregate classification.
Comment: This sequence change replaces asparagine, which is neutral and polar, with lysine, which is basic and polar, at codon 1303 of the CFTR protein (p.Asn1303Lys). The frequency data for this variant in the population databases is considered unreliable, as metrics indicate poor data quality at this position in the gnomAD database. This missense change has been observed in individuals with CFTR-related disorders, including cystic fibrosis, congenital bilateral absence of the vas deferens, and chronic pancreatitis (PMID: 1380943, 12767731, 15371902, 21520337, 22658665, 23951356, 23974870). ClinVar contains an entry for this variant (Variation ID: 7136). Invitae Evidence Modeling of protein sequence and biophysical properties (such as structural, functional, and spatial information, amino acid conservation, physicochemical variation, residue mobility, and thermodynamic stability) indicates that this missense variant is expected to disrupt CFTR protein function with a positive predictive value of 80%. Experimental studies have shown that this missense change affects CFTR function (PMID: 23891399, 23974870, 25799511). For these reasons, this variant has been classified as Pathogenic.

Natera, Inc.
Classification: Pathogenic for CFTR-related disorders. Last evaluated: 2025-10-30. Review status: criteria provided, single submitter. Criteria: Natera Variant Classification Schema (03/2026). Collection method: clinical testing. Allele origin: germline. Not counted in ClinVar's aggregate classification.
Comment: The c.3909C>G variant in CFTR is a missense variant predicted to cause substitution of asparagine to lysine at amino acid 1303. This variant is rare in the general population with a frequency below the threshold expected for the associated phenotype(s). This variant has been observed in one or more individuals affected with the associated recessive disease, as either homozygous or compound heterozygous with a second variant (PMID: 9917439, 15334505). Computational prediction algorithms indicate this variant is likely to affect gene or protein function. Given the available evidence, this variant is classified as Pathogenic.

NHS Central & South Genomic Laboratory Hub
Classification: Pathogenic for Cystic fibrosis diagnostic test. Last evaluated: 2025-10-21. Review status: criteria provided, single submitter. Criteria: ACMG Guidelines, 2015. Collection method: clinical testing. Allele origin: germline. Affected: yes. Not counted in ClinVar's aggregate classification.

3billion
Classification: Pathogenic for Cystic fibrosis. Last evaluated: 2025-08-12. Review status: criteria provided, single submitter. Criteria: ACMG Guidelines, 2015. Collection method: clinical testing. Allele origin: germline. Affected: yes. Not counted in ClinVar's aggregate classification.
Comment: The variant is observed at an extremely low frequency in the gnomAD v4.1.0 dataset (total allele frequency: 0.016%). Predicted Consequence/Location: Missense variant In silico tool predictions suggest damaging effect of the variant on gene or gene product [REVEL: 0.83 (>=0.6, sensitivity 0.68 and specificity 0.92); 3Cnet: 0.91 (> 0.75, sensitivity 0.96 and precision 0.92)]. The same nucleotide change resulting in the same amino acid change has been previously reported as pathogenic/likely pathogenic with strong evidence (ClinVar ID: VCV000007136 /PMID: 1998343 /3billion dataset). The variant has been reported to be in trans with a pathogenic variant as either compound heterozygous or homozygous in at least one similarly affected unrelated individual (PMID: 32220772). Different missense changes at the same codon (p.Asn1303His, p.Asn1303Ile, p.Asn1303Tyr) have been reported as pathogenic/likely pathogenic with strong evidence (ClinVar ID: VCV000007218, VCV000053846, VCV001685264 /PMID: 1284537). Therefore, this variant is classified as Pathogenic according to the recommendation of ACMG/AMP guideline.

NM_000492.4(CFTR):c.3909C>G (p.Asn1303Lys)

Gene: CFTR (CF transmembrane conductance regulator; plus strand). Cytogenetic location: 7q31.2.
Variant type: single nucleotide variant.
Coding change: c.3909C>G on transcript NM_000492.4 (MANE Select); coding-DNA position 3909, C replaced by G.
Protein change: p.Asn1303Lys; replaces asparagine 1303 with lysine.
Molecular consequence: missense variant.
Genome position (GRCh38, 1-based): chr7:117,652,877, C>G. VCF-style: chr7-117652877-C-G. GRCh37 (hg19) VCF-style: chr7-117292931-C-G.
Other names: short protein forms N1303K.
Identifiers: ClinVar variation 7136 (VCV000007136.183), dbSNP rs80034486, ClinGen allele CA340641.